The following is an entry in ClinVar:

NM_001371623.1(TCOF1):c.3244C>G (p.Gln1082Glu)

Gene: TCOF1 (treacle ribosome biogenesis factor 1; plus strand). Cytogenetic location: 5q32.
Variant type: single nucleotide variant.
Coding change: c.3244C>G on transcript NM_001371623.1 (MANE Select); coding-DNA position 3244, C replaced by G.
Protein change: p.Gln1082Glu; replaces glutamine 1082 with glutamic acid.
Molecular consequence: missense variant. On other transcripts: intron variant (2).
Genome position (GRCh38, 1-based): chr5:150,391,604, C>G. VCF-style: chr5-150391604-C-G. GRCh37 (hg19) VCF-style: chr5-149771167-C-G.
Other names: c.3013C>G, p.Gln1005Glu (NM_000356.4, NM_001135245.2); c.3244C>G, p.Gln1082Glu (NM_001135243.2); c.3184-353C>G (NM_001135244.2, NM_001195141.2); short protein forms Q1005E, Q1082E.
Identifiers: ClinVar variation 3367353 (VCV003367353.1).

ClinVar aggregate classification (germline): Uncertain significance (1 of 4 stars; one submission).

Submission:

GeneDx
Classification: Uncertain significance. Last evaluated: 2024-01-04. Review status: criteria provided, single submitter. Criteria: GeneDx Variant Classification Process June 2021. Collection method: clinical testing. Allele origin: germline. Affected: yes.
Comment: Not observed at significant frequency in large population cohorts (gnomAD); In silico analysis supports that this missense variant does not alter protein structure/function; Has not been previously published as pathogenic or benign to our knowledge